The following is an entry in ClinVar:

NM_152783.5(D2HGDH):c.911G>A (p.Gly304Asp)

Gene: D2HGDH (D-2-hydroxyglutarate dehydrogenase; plus strand). Cytogenetic location: 2q37.3.
Variant type: single nucleotide variant.
Coding change: c.911G>A on transcript NM_152783.5 (MANE Select); coding-DNA position 911, G replaced by A.
Protein change: p.Gly304Asp; replaces glycine 304 with aspartic acid.
Molecular consequence: missense variant.
Genome position (GRCh38, 1-based): chr2:241,750,208, G>A. VCF-style: chr2-241750208-G-A. GRCh37 (hg19) VCF-style: chr2-242689623-G-A.
Other names: c.509G>A, p.Gly170Asp (NM_001287249.2); c.350G>A, p.Gly117Asp (NM_001352824.2); c.911G>A (NM_152783.3); short protein forms G117D, G170D, G304D.
Identifiers: ClinVar variation 3009414 (VCV003009414.4), dbSNP rs957762107, ClinGen allele CA68594878.
Genomic context (GRCh38, chr2:241,750,208, plus strand): 5'-CAGGCTGCCCAGGCTTTGCTGAGGTTCTGCAGACCTTCAGCACCTGCAAGGGGATGCTGG[G>A]TGAGATCCTGTCTGCATTCGAGTTCATGGATGCTGTGTGCATGCAGCTGGTCGGGCGCCA-3'
Protein context (NP_689996.4, residues 294-314): QTFSTCKGML[Gly304Asp]EILSAFEFMD

ClinVar aggregate classification (germline): Uncertain significance. Review status: criteria provided, multiple submitters, no conflicts (2 of 4 stars). 2 submissions from 2 submitters: Uncertain significance (2). Last evaluated 2025-02-13.

Conditions:
D-2-hydroxyglutaric aciduria 1 (D2HGA1). Identifiers: Orphanet 79315, MedGen C3152055, MONDO:0024554, OMIM 600721.
Inborn genetic diseases. Identifiers: MedGen C0950123, MeSH D030342.

gnomAD v4.1: 14 of 1,614,110 alleles (0.00087%); highest among the groups gnomAD compares: Non-Finnish European, 0.0011%; no homozygotes.

Submissions (2):

Ambry Genetics
Classification: Uncertain significance for Inborn genetic diseases. Last evaluated: 2025-02-13. Review status: criteria provided, single submitter. Criteria: Ambry Variant Classification Scheme 2023. Collection method: clinical testing. Allele origin: germline.

Labcorp Genetics (formerly Invitae), Labcorp
Classification: Uncertain significance for D-2-hydroxyglutaric aciduria 1. Last evaluated: 2023-06-21. Review status: criteria provided, single submitter. Criteria: Invitae Variant Classification Sherloc (09022015). Collection method: clinical testing. Allele origin: germline.
Comment: In summary, the available evidence is currently insufficient to determine the role of this variant in disease. Therefore, it has been classified as a Variant of Uncertain Significance. Advanced modeling of protein sequence and biophysical properties (such as structural, functional, and spatial information, amino acid conservation, physicochemical variation, residue mobility, and thermodynamic stability) has been performed at Invitae for this missense variant, however the output from this modeling did not meet the statistical confidence thresholds required to predict the impact of this variant on D2HGDH protein function. This variant has not been reported in the literature in individuals affected with D2HGDH-related conditions. This variant is present in population databases (no rsID available, gnomAD 0.002%). This sequence change replaces glycine, which is neutral and non-polar, with aspartic acid, which is acidic and polar, at codon 304 of the D2HGDH protein (p.Gly304Asp).